The following is an entry in ClinVar:

NM_004836.7(EIF2AK3):c.633+3A>G

Gene: EIF2AK3 (eukaryotic translation initiation factor 2 alpha kinase 3; minus strand). Cytogenetic location: 2p11.2.
Variant type: single nucleotide variant.
Coding change: c.633+3A>G on transcript NM_004836.7 (MANE Select); 3 bases into the intron after coding-DNA position 633, A replaced by G.
Molecular consequence: intron variant.
Genome position (GRCh38, 1-based): chr2:88,595,466, T>C on the plus strand (A>G on the coding strand, the complement: EIF2AK3 is on the minus strand). VCF-style: chr2-88595466-T-C. GRCh37 (hg19) VCF-style: chr2-88894984-T-C.
Other names: c.180+3A>G (NM_001313915.2).
Identifiers: ClinVar variation 1046778 (VCV001046778.34), dbSNP rs376869583, ClinGen allele CA1754885.

ClinVar aggregate classification (germline): Uncertain significance. Review status: criteria provided, multiple submitters, no conflicts (2 of 4 stars). 2 submissions from 2 submitters: Uncertain significance (2). Last evaluated 2022-07-29.

Allele frequency attached by ClinVar (database versions not stated): ExAC 0.00001; gnomAD exomes 0.00002 and 0.00007; TOPMed 0.00003; gnomAD 0.00004; ESP Exome Variant Server 0.00008.
gnomAD v4.1: 106 of 1,613,800 alleles (0.0066%); highest among the groups gnomAD compares: Non-Finnish European, 0.0085%; no homozygotes.

Submissions (2):

Labcorp Genetics (formerly Invitae), Labcorp
Classification: Uncertain significance. Last evaluated: 2022-07-29. Review status: criteria provided, single submitter. Criteria: Invitae Variant Classification Sherloc (09022015). Collection method: clinical testing. Allele origin: germline.
Comment: This sequence change falls in intron 3 of the EIF2AK3 gene. It does not directly change the encoded amino acid sequence of the EIF2AK3 protein. It affects a nucleotide within the consensus splice site. This variant is present in population databases (rs376869583, gnomAD 0.006%). This variant has not been reported in the literature in individuals affected with EIF2AK3-related conditions. ClinVar contains an entry for this variant (Variation ID: 1046778). Variants that disrupt the consensus splice site are a relatively common cause of aberrant splicing (PMID: 17576681, 9536098). Algorithms developed to predict the effect of sequence changes on RNA splicing suggest that this variant is not likely to affect RNA splicing. In summary, the available evidence is currently insufficient to determine the role of this variant in disease. Therefore, it has been classified as a Variant of Uncertain Significance.

CeGaT Center for Human Genetics Tuebingen
Classification: Uncertain significance. Last evaluated: 2022-07-01. Review status: criteria provided, single submitter. Criteria: CeGaT Center For Human Genetics Tuebingen Variant Classification Criteria Version 2. Collection method: clinical testing. Allele origin: germline. Affected: yes. Observed: 1 variant allele.
Comment: EIF2AK3: PM2, BP4

Literature cited by the submitters: PubMed 17576681 (cited by Labcorp Genetics (formerly Invitae), Labcorp); PubMed 9536098 (cited by Labcorp Genetics (formerly Invitae), Labcorp).